The following is an entry in ClinVar:

NM_001267550.2(TTN):c.96984A>G (p.Ile32328Met)

Genes: TTN (titin; minus strand), TTN-AS1 (TTN antisense RNA 1; plus strand). Cytogenetic location: 2q31.2.
Variant type: single nucleotide variant.
Coding change: c.96984A>G on transcript NM_001267550.2 (MANE Select); coding-DNA position 96984, A replaced by G.
Protein change: p.Ile32328Met; replaces isoleucine 32328 with methionine.
Molecular consequence: missense variant.
Genome position (GRCh38, 1-based): chr2:178,542,870, T>C on the plus strand (A>G on the coding strand, the complement: TTN is on the minus strand). VCF-style: chr2-178542870-T-C. GRCh37 (hg19) VCF-style: chr2-179407597-T-C.
Other names: c.92061A>G, p.Ile30687Met (NM_001256850.1); c.69789A>G, p.Ile23263Met (NM_003319.4); c.89280A>G, p.Ile29760Met (NM_133378.4); c.70164A>G, p.Ile23388Met (NM_133432.3); c.70365A>G, p.Ile23455Met (NM_133437.4); short protein forms I23263M, I23388M, I23455M, I29760M, I30687M, I32328M.
Identifiers: ClinVar variation 1311235 (VCV001311235.2), dbSNP rs767657814, ClinGen allele CA349444004.

ClinVar aggregate classification (germline): Uncertain significance (1 of 4 stars; one submission).

Submission:

GeneDx
Classification: Uncertain significance. Last evaluated: 2019-12-24. Review status: criteria provided, single submitter. Criteria: GeneDx Variant Classification Process June 2021. Collection method: clinical testing. Allele origin: germline. Affected: yes.
Comment: Not observed in large population cohorts (Lek et al., 2016); Missense variant in a gene in which most reported pathogenic variants are truncating/loss-of-function; Has not been previously published as pathogenic or benign to our knowledge